The following is an entry in ClinVar:

ClinVar aggregate classification (germline): Uncertain significance (1 of 4 stars; one submission).

Allele frequency attached by ClinVar (database versions not stated): TOPMed 0.00002; ExAC 0.00003; gnomAD 0.00003 and 0.00004; ESP Exome Variant Server 0.00008.
gnomAD v4.1: 35 of 1,612,020 alleles (0.0022%); highest among the groups gnomAD compares: Middle Eastern, 0.017%; no homozygotes.

Submission:

Labcorp Genetics (formerly Invitae), Labcorp
Classification: Uncertain significance. Last evaluated: 2025-10-02. Review status: criteria provided, single submitter. Criteria: Invitae Variant Classification Sherloc (09022015). Collection method: clinical testing. Allele origin: germline.
Comment: This sequence change replaces isoleucine, which is neutral and non-polar, with threonine, which is neutral and polar, at codon 183 of the CASQ1 protein (p.Ile183Thr). This variant is present in population databases (rs372771687, gnomAD 0.007%). This variant has not been reported in the literature in individuals affected with CASQ1-related conditions. ClinVar contains an entry for this variant (Variation ID: 1521371). Invitae Evidence Modeling of protein sequence and biophysical properties (such as structural, functional, and spatial information, amino acid conservation, physicochemical variation, residue mobility, and thermodynamic stability) indicates that this missense variant is not expected to disrupt CASQ1 protein function with a negative predictive value of 80%. In summary, the available evidence is currently insufficient to determine the role of this variant in disease. Therefore, it has been classified as a Variant of Uncertain Significance.

NM_001231.5(CASQ1):c.548T>C (p.Ile183Thr)

Gene: CASQ1 (calsequestrin 1; plus strand). Cytogenetic location: 1q23.2.
Variant type: single nucleotide variant.
Coding change: c.548T>C on transcript NM_001231.5 (MANE Select); coding-DNA position 548, T replaced by C.
Protein change: p.Ile183Thr; replaces isoleucine 183 with threonine.
Molecular consequence: missense variant.
Genome position (GRCh38, 1-based): chr1:160,195,094, T>C. VCF-style: chr1-160195094-T-C. GRCh37 (hg19) VCF-style: chr1-160164884-T-C.
Other names: short protein forms I183T.
Identifiers: ClinVar variation 1521371 (VCV001521371.6), dbSNP rs372771687, ClinGen allele CA1196228.